The following is an entry in ClinVar:

NM_004006.3(DMD):c.10034G>C (p.Arg3345Pro)

Gene: DMD (dystrophin; minus strand). Cytogenetic location: Xp21.2.
Variant type: single nucleotide variant.
Coding change: c.10034G>C on transcript NM_004006.3 (MANE Select); coding-DNA position 10034, G replaced by C.
Protein change: p.Arg3345Pro; replaces arginine 3345 with proline.
Molecular consequence: missense variant.
Genome position (GRCh38, 1-based): chrX:31,180,422, C>G on the plus strand (G>C on the coding strand, the complement: DMD is on the minus strand). VCF-style: chrX-31180422-C-G. GRCh37 (hg19) VCF-style: chrX-31198539-C-G.
Other names: c.830G>C, p.Arg277Pro (NM_004015.3, NM_004016.3, NM_004017.3 and 2 more transcripts); c.2654G>C, p.Arg885Pro (NM_004020.4, NM_004021.3, NM_004022.3 and 2 more transcripts); c.10010G>C, p.Arg3337Pro (NM_000109.4); c.10022G>C, p.Arg3341Pro (NM_004009.3); c.9665G>C, p.Arg3222Pro (NM_004010.3); c.6011G>C, p.Arg2004Pro (NM_004011.4); c.6002G>C, p.Arg2001Pro (NM_004012.4); c.1847G>C, p.Arg616Pro (NM_004014.3); and 1 more; short protein forms R3222P, R277P, R616P, R2001P, R2004P, R3345P, R3337P, R3341P.
Identifiers: ClinVar variation 872761 (VCV000872761.51), dbSNP rs2041036250, ClinGen allele CA412653105.
Genomic context (GRCh38, chrX:31,180,422, plus strand): 5'-AAACTTACCGGAGTGCAATATTCCACCATGGGATAGTGCATTTTATGGCCTTTTGCAACT[C>G]GACCAGAAAAAAAGCAGCTTTGGCAGATGTCATAATTAAAGTGCTTTAGACTCCTGTACC-3'
Protein context (NP_003997.2, residues 3335-3355): DICQSCFFSG[Arg3345Pro]VAKGHKMHYP

ClinVar aggregate classification (germline): Uncertain significance. Review status: criteria provided, multiple submitters, no conflicts (2 of 4 stars). 4 submissions from 4 submitters: Uncertain significance (4). Last evaluated 2025-08-01.

Conditions:
Duchenne muscular dystrophy (DMD). Also called: Duchenne Muscular Dystrophy (DMD); MUSCULAR DYSTROPHY, PSEUDOHYPERTROPHIC PROGRESSIVE, DUCHENNE TYPE. Identifiers: Orphanet 98896, MedGen C0013264, MONDO:0010679, OMIM 310200.

gnomAD v4.1: 1 of 1,210,475 alleles (0.000083%); highest among the groups gnomAD compares: Non-Finnish European, 0.00011%; no homozygotes.

Submissions (4):

CeGaT Center for Human Genetics Tuebingen
Classification: Uncertain significance. Last evaluated: 2025-08-01. Review status: criteria provided, single submitter. Criteria: CeGaT Center For Human Genetics Tuebingen Variant Classification Criteria Version 2. Collection method: clinical testing. Allele origin: germline. Affected: yes. Observed: 5 variant alleles.
Comment: DMD: PM2, PS4:Moderate, PP3

Blueprint Genetics
Classification: Uncertain significance. Last evaluated: 2023-01-17. Review status: criteria provided, single submitter. Criteria: ACMG Guidelines, 2015. Collection method: clinical testing. Allele origin: germline.

Labcorp Genetics (formerly Invitae), Labcorp
Classification: Uncertain significance for Duchenne muscular dystrophy. Last evaluated: 2022-08-09. Review status: criteria provided, single submitter. Criteria: Invitae Variant Classification Sherloc (09022015). Collection method: clinical testing. Allele origin: germline.
Comment: In summary, the available evidence is currently insufficient to determine the role of this variant in disease. Therefore, it has been classified as a Variant of Uncertain Significance. This sequence change replaces arginine, which is basic and polar, with proline, which is neutral and non-polar, at codon 3345 of the DMD protein (p.Arg3345Pro). Algorithms developed to predict the effect of missense changes on protein structure and function (SIFT, PolyPhen-2, Align-GVGD) all suggest that this variant is likely to be disruptive. ClinVar contains an entry for this variant (Variation ID: 872761). This missense change has been observed in individual(s) with clinical features of DMD-related conditions (PMID: 32528171). This variant is not present in population databases (gnomAD no frequency).

Revvity Omics, Revvity
Classification: Uncertain significance. Last evaluated: 2021-10-02. Review status: criteria provided, single submitter. Criteria: ACMG Guidelines, 2015. Collection method: clinical testing. Allele origin: germline.

Literature cited by the submitters: PubMed 32528171 (cited by Labcorp Genetics (formerly Invitae), Labcorp).